The following is an entry in ClinVar:

ClinVar aggregate classification (germline): Uncertain significance (1 of 4 stars; one submission).

Conditions:
Cardiovascular phenotype. Identifiers: MedGen CN230736.

Submission:

Ambry Genetics
Classification: Uncertain significance for Cardiovascular phenotype. Last evaluated: 2026-04-12. Review status: criteria provided, single submitter. Criteria: Ambry Variant Classification Scheme 2023. Collection method: clinical testing. Allele origin: germline.
Comment: The p.R256G variant (also known as c.766A>G), located in coding exon 5 of the CBL gene, results from an A to G substitution at nucleotide position 766. The arginine at codon 256 is replaced by glycine, an amino acid with dissimilar properties. This amino acid position is conserved. In addition, this alteration is predicted to be deleterious by in silico analysis. Based on the available evidence, the clinical significance of this variant remains unclear.

NM_005188.4(CBL):c.766A>G (p.Arg256Gly)

Gene: CBL (Cbl proto-oncogene; plus strand). Cytogenetic location: 11q23.3.
Variant type: single nucleotide variant.
Coding change: c.766A>G on transcript NM_005188.4 (MANE Select); coding-DNA position 766, A replaced by G.
Protein change: p.Arg256Gly; replaces arginine 256 with glycine.
Molecular consequence: missense variant.
Genome position (GRCh38, 1-based): chr11:119,274,850, A>G. VCF-style: chr11-119274850-A-G. GRCh37 (hg19) VCF-style: chr11-119145560-A-G.
Other names: short protein forms R256G.
Identifiers: ClinVar variation 4868225 (VCV004868225.1).
Genomic context (GRCh38, chr11:119,274,850, plus strand): 5'-ACATCTGACCTGAATAGTCTGTGATTGATCTTGTTTCTTTAGCCCTGGTCCTCTTTGCTC[A>G]GGAATTGGAACAGCCTTGCTGTAACTCATCCTGGCTACATGGCTTTTTTGACGTATGACG-3'
Protein context (NP_005179.2, residues 246-266): RLFQPWSSLL[Arg256Gly]NWNSLAVTHP